The following is an entry in ClinVar:

ClinVar aggregate classification (germline): Benign. Review status: criteria provided, multiple submitters, no conflicts (2 of 4 stars). 2 submissions from 2 submitters: Benign (2). Last evaluated 2022-11-18.

Allele frequency attached by ClinVar (database versions not stated): gnomAD 0.00380 and 0.00404; TOPMed 0.00426; 1000 Genomes Project 0.00519; gnomAD exomes 0.00036 and 0.00103; ExAC 0.00135; ESP Exome Variant Server 0.00461; 1000 Genomes Project 30x 0.00531.
gnomAD v4.1: 1,133 of 1,614,072 alleles (0.07%); highest among the groups gnomAD compares: African/African-American, 1.4%; 6 homozygotes.

Submissions (2):

Mayo Clinic Laboratories, Mayo Clinic
Classification: Benign. Last evaluated: 2022-11-18. Review status: criteria provided, single submitter. Criteria: ACMG Guidelines, 2015. Collection method: clinical testing. Allele origin: germline. Observed: 3 variant alleles.
Comment: BS1, BS2, BP4

Labcorp Genetics (formerly Invitae), Labcorp
Classification: Benign. Last evaluated: 2019-12-31. Review status: criteria provided, single submitter. Criteria: Invitae Variant Classification Sherloc (09022015). Collection method: clinical testing. Allele origin: germline.

NM_001966.4(EHHADH):c.121A>G (p.Ile41Val)

Gene: EHHADH (enoyl-CoA hydratase and 3-hydroxyacyl CoA dehydrogenase; minus strand). Cytogenetic location: 3q27.2.
Variant type: single nucleotide variant.
Coding change: c.121A>G on transcript NM_001966.4 (MANE Select); coding-DNA position 121, A replaced by G.
Protein change: p.Ile41Val; replaces isoleucine 41 with valine.
Molecular consequence: missense variant. On other transcripts: 5 prime UTR variant (1).
Genome position (GRCh38, 1-based): chr3:185,248,471, T>C on the plus strand (A>G on the coding strand, the complement: EHHADH is on the minus strand). VCF-style: chr3-185248471-T-C. GRCh37 (hg19) VCF-style: chr3-184966259-T-C.
Other names: p.Ile41Val; c.-168A>G (NM_001166415.2); short protein forms I41V.
Identifiers: ClinVar variation 733114 (VCV000733114.5), dbSNP rs78790730, ClinGen allele CA2739317.
Genomic context (GRCh38, chr3:185,248,471, plus strand): 5'-TACCTGCAGAAAATTTGCCCTCTGCTCCACAAATCACAATGGCTTTTATTGTATGGTCTA[T>C]TACAGCTTTCTGTAGTCCTTCTTTTATGTCACGGAGTAAAGTCGTACTAAAAGAAAACAA-3'
Protein context (NP_001957.2, residues 31-51): DIKEGLQKAV[Ile41Val]DHTIKAIVIC